The following is an entry in ClinVar:

NM_000138.5(FBN1):c.6733T>C (p.Cys2245Arg)

Gene: FBN1 (fibrillin 1; minus strand). Cytogenetic location: 15q21.1.
Variant type: single nucleotide variant.
Coding change: c.6733T>C on transcript NM_000138.5 (MANE Select); coding-DNA position 6733, T replaced by C.
Protein change: p.Cys2245Arg; replaces cysteine 2245 with arginine.
Molecular consequence: missense variant.
Genome position (GRCh38, 1-based): chr15:48,432,872, A>G on the plus strand (T>C on the coding strand, the complement: FBN1 is on the minus strand). VCF-style: chr15-48432872-A-G. GRCh37 (hg19) VCF-style: chr15-48725069-A-G.
Other names: c.6733T>C, p.Cys2245Arg (NM_001406716.1); short protein forms C2245R.
Identifiers: ClinVar variation 1755155 (VCV001755155.3), dbSNP rs2505424697, ClinGen allele CA392333194.

ClinVar aggregate classification (germline): Pathogenic. Review status: criteria provided, multiple submitters, no conflicts (2 of 4 stars). 2 submissions from 2 submitters: Pathogenic (2). Last evaluated 2025-11-25.

Conditions:
Marfan syndrome (MFS). Also called: Marfan's syndrome; Marfan syndrome, classic; MARFAN SYNDROME, TYPE I; Marfan syndrome type 1; FBN1-Related Marfan Syndrome. Identifiers: Orphanet 284963, Orphanet 558, MedGen C0024796, MONDO:0007947, OMIM 154700.
Familial thoracic aortic aneurysm and aortic dissection (TAAD). Also called: Thoracic aortic aneurysms and dissections. Identifiers: Orphanet 91387, MedGen C4707243, MONDO:0019625.

Submissions (2):

Labcorp Genetics (formerly Invitae), Labcorp
Classification: Pathogenic for Marfan syndrome; Familial thoracic aortic aneurysm and aortic dissection. Last evaluated: 2025-11-25. Review status: criteria provided, single submitter. Criteria: Invitae Variant Classification Sherloc (09022015). Collection method: clinical testing. Allele origin: germline.
Comment: This sequence change replaces cysteine, which is neutral and slightly polar, with arginine, which is basic and polar, at codon 2245 of the FBN1 protein (p.Cys2245Arg). This variant is not present in population databases (gnomAD no frequency). This missense change has been observed in individual(s) with Marfan syndrome (PMID: 31279624). ClinVar contains an entry for this variant (Variation ID: 1755155). Invitae Evidence Modeling of protein sequence and biophysical properties (such as structural, functional, and spatial information, amino acid conservation, physicochemical variation, residue mobility, and thermodynamic stability) indicates that this missense variant is expected to disrupt FBN1 protein function with a positive predictive value of 95%. This variant affects a cysteine residue in the EGF-like, TGFBP or hybrid motif domains of FBN1. Cysteine residues are believed to be involved in intramolecular disulfide bridges and have been shown to be important for FBN1 protein structure (PMID: 16905551, 19349279). In addition, missense substitutions affecting cysteine residues within these domains are significantly overrepresented among patients with Marfan syndrome (PMID: 16571647, 17701892). This variant disrupts the p.Cys2245 amino acid residue in FBN1. Other variant(s) that disrupt this residue have been observed in individuals with FBN1-related conditions (PMID: 26787436, 28941062), which suggests that this may be a clinically significant amino acid residue. For these reasons, this variant has been classified as Pathogenic.

Ambry Genetics
Classification: Pathogenic for Familial thoracic aortic aneurysm and aortic dissection. Last evaluated: 2021-08-03. Review status: criteria provided, single submitter. Criteria: Ambry Variant Classification Scheme 2023. Collection method: clinical testing. Allele origin: germline.
Comment: The p.C2245R pathogenic mutation (also known as c.6733T>C), located in coding exon 54 of the FBN1 gene, results from a T to C substitution at nucleotide position 6733. The cysteine at codon 2245 is replaced by arginine, an amino acid with highly dissimilar properties, and is located in the cb EGF-like #34 domain. The majority of FBN1 mutations identified to date have involved the substitution or generation of cysteine residues within cbEGF domains (Vollbrandt T et al. J Biol Chem. 2004;279(31):32924-32931). This mutation has been reported in individuals with Marfan syndrome (MFS) (Ambry internal data; Qin M et al. J Genet Genomics, 2019 06;46:319-323). Based on internal structural assessment, this alteration eliminates a structurally critical disulfide bond in the structurally sensitive cbEGF domain #34 (Ambry internal data). This variant is considered to be rare based on population cohorts in the Genome Aggregation Database (gnomAD). In addition, this alteration is predicted to be deleterious by in silico analysis. Other alterations at the same codon, p.C2245Y (c.6734G>A), p.C2245S (c.6733T>A), and p.C2245G (c.6733T>G), have been detected in individuals with MFS (Franken R et al. Eur Heart J, 2016 Nov;37:3285-3290; Vatti L et al. Am J Med Genet A, 2017 Nov;173:2995-3002; Groth KA et al. Genet Med, 2017 07;19:772-777). Based on the supporting evidence, this alteration is interpreted as a disease-causing mutation.

Literature cited by the submitters: PubMed 31279624 (cited by Labcorp Genetics (formerly Invitae), Labcorp and Ambry Genetics); PubMed 16905551 (cited by Labcorp Genetics (formerly Invitae), Labcorp); PubMed 19349279 (cited by Labcorp Genetics (formerly Invitae), Labcorp); PubMed 16571647 (cited by Labcorp Genetics (formerly Invitae), Labcorp); PubMed 17701892 (cited by Labcorp Genetics (formerly Invitae), Labcorp); PubMed 26787436 (cited by Labcorp Genetics (formerly Invitae), Labcorp); PubMed 28941062 (cited by Labcorp Genetics (formerly Invitae), Labcorp).